The following is an entry in ClinVar:

NM_001253852.3(AP4B1):c.198G>C (p.Lys66Asn)

Gene: AP4B1 (adaptor related protein complex 4 subunit beta 1; minus strand). Cytogenetic location: 1p13.2.
Variant type: single nucleotide variant.
Coding change: c.198G>C on transcript NM_001253852.3 (MANE Select); coding-DNA position 198, G replaced by C.
Protein change: p.Lys66Asn; replaces lysine 66 with asparagine.
Molecular consequence: missense variant. On other transcripts: intron variant (2).
Genome position (GRCh38, 1-based): chr1:113,902,778, C>G on the plus strand (G>C on the coding strand, the complement: AP4B1 is on the minus strand). VCF-style: chr1-113902778-C-G. GRCh37 (hg19) VCF-style: chr1-114445400-C-G.
Other names: c.198G>C, p.Lys66Asn (NM_006594.5); c.-56-44G>C (NM_001253853.3); c.113+1827G>C (NM_001308312.2); c.198G>C (NM_006594.2); short protein forms K66N.
Identifiers: ClinVar variation 1014348 (VCV001014348.10), dbSNP rs374241047, ClinGen allele CA1016166.
Genomic context (GRCh38, chr1:113,902,778, plus strand): 5'-GGCCAGGAGAGCCAGATCTGGTTTCAGGGGAGCATATGTGCACATGTACAGATAAACCAA[C>G]TTCTTCTGGACAATATCTACAGTGGCACTGGCCTTCACCATTTCCATAAAAACACCAGAC-3'
Protein context (NP_001240781.1, residues 56-76): ASATVDIVQK[Lys66Asn]LVYLYMCTYA

ClinVar aggregate classification (germline): Uncertain significance. Review status: criteria provided, multiple submitters, no conflicts (2 of 4 stars). 3 submissions from 3 submitters: Uncertain significance (3). Last evaluated 2023-04-11.

Conditions:
Hereditary spastic paraplegia 47. Also called: CEREBRAL PALSY, SPASTIC QUADRIPLEGIC, 5; Spastic paraplegia 47, autosomal recessive; adaptor protein 4 (AP-4) deficiency syndrome. Identifiers: Orphanet 280763, MedGen C3279738, MONDO:0013551, OMIM 614066.
Inborn genetic diseases. Identifiers: MedGen C0950123, MeSH D030342.

Allele frequency attached by ClinVar (database versions not stated): gnomAD exomes below 0.00001; TOPMed 0.00001; ESP Exome Variant Server 0.00008.
gnomAD v4.1: 14 of 1,614,122 alleles (0.00087%); highest among the groups gnomAD compares: Non-Finnish European, 0.0012%; no homozygotes.

Submissions (3):

Genome-Nilou Lab
Classification: Uncertain significance for Hereditary spastic paraplegia 47. Last evaluated: 2023-04-11. Review status: criteria provided, single submitter. Criteria: ACMG Guidelines, 2015. Collection method: clinical testing. Allele origin: germline. Affected: no.

Ambry Genetics
Classification: Uncertain significance for Inborn genetic diseases. Last evaluated: 2022-03-29. Review status: criteria provided, single submitter. Criteria: Ambry Variant Classification Scheme 2023. Collection method: clinical testing. Allele origin: germline.

Labcorp Genetics (formerly Invitae), Labcorp
Classification: Uncertain significance for Hereditary spastic paraplegia 47. Last evaluated: 2021-06-29. Review status: criteria provided, single submitter. Criteria: Invitae Variant Classification Sherloc (09022015). Collection method: clinical testing. Allele origin: germline.
Comment: This sequence change replaces lysine with asparagine at codon 66 of the AP4B1 protein (p.Lys66Asn). The lysine residue is highly conserved and there is a moderate physicochemical difference between lysine and asparagine. This variant is present in population databases (rs374241047, ExAC 0.001%). This variant has not been reported in the literature in individuals with AP4B1-related conditions. Algorithms developed to predict the effect of missense changes on protein structure and function are either unavailable or do not agree on the potential impact of this missense change (SIFT: "Deleterious"; PolyPhen-2: "Probably Damaging"; Align-GVGD: "Class C0"). In summary, the available evidence is currently insufficient to determine the role of this variant in disease. Therefore, it has been classified as a Variant of Uncertain Significance.